The following is an entry in ClinVar:

NM_017802.4(DNAAF5):c.1279G>A (p.Val427Ile)

Gene: DNAAF5 (dynein axonemal assembly factor 5; plus strand). Cytogenetic location: 7p22.3.
Variant type: single nucleotide variant.
Coding change: c.1279G>A on transcript NM_017802.4 (MANE Select); coding-DNA position 1279, G replaced by A.
Protein change: p.Val427Ile; replaces valine 427 with isoleucine.
Molecular consequence: missense variant. On other transcripts: non-coding transcript variant (1).
Genome position (GRCh38, 1-based): chr7:756,803, G>A. VCF-style: chr7-756803-G-A. GRCh37 (hg19) VCF-style: chr7-796440-G-A.
Other names: short protein forms V427I.
Identifiers: ClinVar variation 1350832 (VCV001350832.6), dbSNP rs372983996, ClinGen allele CA4110681.
Genomic context (GRCh38, chr7:756,803, plus strand): 5'-GGGTTTGGCTCTGAGTTTTCTCATGTTTCTTTCTCGCAGTGTACCAGATCCGCAGAGCTC[G>A]TCGGGACGTTTGTCAGCCCTGAGGTGTTTCTGAAGCTGATCTTATCGACGCTGAAGAAGA-3'
Protein context (NP_060272.3, residues 417-437): VQSCTRSAEL[Val427Ile]GTFVSPEVFL

ClinVar aggregate classification (germline): Uncertain significance (1 of 4 stars; one submission).

Conditions:
Primary ciliary dyskinesia. Also called: Ciliary dyskinesia. Identifiers: Orphanet 244, MedGen C0008780, MONDO:0016575, HP:0012265.

gnomAD v4.1: 10 of 1,613,766 alleles (0.00062%); highest among the groups gnomAD compares: Admixed American, 0.0067%; no homozygotes.

Submission:

Labcorp Genetics (formerly Invitae), Labcorp
Classification: Uncertain significance for Primary ciliary dyskinesia. Last evaluated: 2025-03-03. Review status: criteria provided, single submitter. Criteria: Invitae Variant Classification Sherloc (09022015). Collection method: clinical testing. Allele origin: germline.
Comment: This sequence change replaces valine, which is neutral and non-polar, with isoleucine, which is neutral and non-polar, at codon 427 of the DNAAF5 protein (p.Val427Ile). This variant is present in population databases (rs372983996, gnomAD 0.01%). This variant has not been reported in the literature in individuals affected with DNAAF5-related conditions. ClinVar contains an entry for this variant (Variation ID: 1350832). Invitae Evidence Modeling of protein sequence and biophysical properties (such as structural, functional, and spatial information, amino acid conservation, physicochemical variation, residue mobility, and thermodynamic stability) indicates that this missense variant is not expected to disrupt DNAAF5 protein function with a negative predictive value of 80%. In summary, the available evidence is currently insufficient to determine the role of this variant in disease. Therefore, it has been classified as a Variant of Uncertain Significance.